The following is an entry in ClinVar:

ClinVar aggregate classification (germline): Uncertain significance. Review status: criteria provided, multiple submitters, no conflicts (2 of 4 stars). 3 submissions from 3 submitters: Uncertain significance (3). Last evaluated 2025-05-06.

Conditions:
Primary ciliary dyskinesia. Also called: Ciliary dyskinesia. Identifiers: Orphanet 244, MedGen C0008780, MONDO:0016575, HP:0012265.
Primary ciliary dyskinesia 10. Also called: CILIARY DYSKINESIA, PRIMARY, 10, WITH OR WITHOUT SITUS INVERSUS. Identifiers: Orphanet 244, MedGen C2675867, MONDO:0012918, OMIM 612518.

Allele frequency attached by ClinVar (database versions not stated): ExAC 0.00002; gnomAD 0.00002; TOPMed 0.00002.

Submissions (3):

Ambry Genetics
Classification: Uncertain significance for Primary ciliary dyskinesia. Last evaluated: 2025-05-06. Review status: criteria provided, single submitter. Criteria: Ambry Variant Classification Scheme 2023. Collection method: clinical testing. Allele origin: germline.

Labcorp Genetics (formerly Invitae), Labcorp
Classification: Uncertain significance for Primary ciliary dyskinesia. Last evaluated: 2023-07-07. Review status: criteria provided, single submitter. Criteria: Invitae Variant Classification Sherloc (09022015). Collection method: clinical testing. Allele origin: germline.
Comment: In summary, the available evidence is currently insufficient to determine the role of this variant in disease. Therefore, it has been classified as a Variant of Uncertain Significance. This sequence change replaces arginine, which is basic and polar, with leucine, which is neutral and non-polar, at codon 260 of the DNAAF2 protein (p.Arg260Leu). This variant is present in population databases (rs763643131, gnomAD 0.003%). This variant has not been reported in the literature in individuals affected with DNAAF2-related conditions. ClinVar contains an entry for this variant (Variation ID: 880927). Advanced modeling of protein sequence and biophysical properties (such as structural, functional, and spatial information, amino acid conservation, physicochemical variation, residue mobility, and thermodynamic stability) performed at Invitae indicates that this missense variant is expected to disrupt DNAAF2 protein function.

Illumina Laboratory Services, Illumina
Classification: Uncertain significance for Primary ciliary dyskinesia 10. Last evaluated: 2018-01-13. Review status: criteria provided, single submitter. Criteria: ICSL Variant Classification Criteria 13 December 2019. Collection method: clinical testing. Allele origin: germline.

NM_018139.3(DNAAF2):c.779G>T (p.Arg260Leu)

Gene: DNAAF2 (dynein axonemal assembly factor 2; minus strand). Cytogenetic location: 14q21.3.
Variant type: single nucleotide variant.
Coding change: c.779G>T on transcript NM_018139.3 (MANE Select); coding-DNA position 779, G replaced by T.
Protein change: p.Arg260Leu; replaces arginine 260 with leucine.
Molecular consequence: missense variant.
Genome position (GRCh38, 1-based): chr14:49,634,371, C>A on the plus strand (G>T on the coding strand, the complement: DNAAF2 is on the minus strand). VCF-style: chr14-49634371-C-A. GRCh37 (hg19) VCF-style: chr14-50101089-C-A.
Other names: c.779G>T, p.Arg260Leu (NM_001083908.2); short protein forms R260L.
Identifiers: ClinVar variation 880927 (VCV000880927.22), dbSNP rs763643131, ClinGen allele CA7173031.